The following is an entry in ClinVar:

ClinVar aggregate classification (germline): Uncertain significance (1 of 4 stars; one submission).

Allele frequency attached by ClinVar (database versions not stated): gnomAD exomes below 0.00001; TOPMed below 0.00001.
gnomAD v4.1: 6 of 1,614,154 alleles (0.00037%); highest among the groups gnomAD compares: East Asian, 0.0022%; no homozygotes.

Submission:

GeneDx
Classification: Uncertain significance. Last evaluated: 2024-09-23. Review status: criteria provided, single submitter. Criteria: GeneDx Variant Classification Process June 2021. Collection method: clinical testing. Allele origin: germline. Affected: yes.
Comment: Not observed at significant frequency in large population cohorts (gnomAD); In silico analysis supports that this missense variant has a deleterious effect on protein structure/function; Has not been previously published as pathogenic or benign to our knowledge

NM_152296.5(ATP1A3):c.218C>T (p.Pro73Leu)

Gene: ATP1A3 (ATPase Na+/K+ transporting subunit alpha 3; minus strand). Cytogenetic location: 19q13.2.
Variant type: single nucleotide variant.
Coding change: c.218C>T on transcript NM_152296.5 (MANE Select); coding-DNA position 218, C replaced by T.
Protein change: p.Pro73Leu; replaces proline 73 with leucine.
Molecular consequence: missense variant.
Genome position (GRCh38, 1-based): chr19:41,988,075, G>A on the plus strand (C>T on the coding strand, the complement: ATP1A3 is on the minus strand). VCF-style: chr19-41988075-G-A. GRCh37 (hg19) VCF-style: chr19-42492227-G-A.
Other names: c.251C>T, p.Pro84Leu (NM_001256213.2); c.257C>T, p.Pro86Leu (NM_001256214.2); short protein forms P73L, P84L, P86L.
Identifiers: ClinVar variation 2446530 (VCV002446530.2), dbSNP rs1161880070, ClinGen allele CA406056658.
Genomic context (GRCh38, chr19:41,988,075, plus strand): 5'-AGGATGGAGAAGCCCCCGAAGAGCTGCCGGCAAAACTTGACCCACTCTGGGGTGGTAGGC[G>A]GTGGCGTGAGTGCGTTAGGCCCATCCCGGGCCAGGATCTCCTGGGCTTTGCTGTGGGTCA-3'
Protein context (NP_689509.1, residues 63-83): ARDGPNALTP[Pro73Leu]PTTPEWVKFC